The following is an entry in ClinVar:

NM_002709.3(PPP1CB):c.733C>T (p.Arg245Ter)

Gene: PPP1CB (protein phosphatase 1 catalytic subunit beta; plus strand). Cytogenetic location: 2p23.2.
Variant type: single nucleotide variant.
Coding change: c.733C>T on transcript NM_002709.3 (MANE Select); coding-DNA position 733, C replaced by T.
Protein change: p.Arg245Ter; replaces arginine 245 with a stop codon.
Molecular consequence: nonsense.
Genome position (GRCh38, 1-based): chr2:28,788,798, C>T. VCF-style: chr2-28788798-C-T. GRCh37 (hg19) VCF-style: chr2-29011664-C-T.
Other names: c.733C>T, p.Arg245Ter (NM_206876.2); short protein forms R245*.
Identifiers: ClinVar variation 4885316 (VCV004885316.2).

ClinVar aggregate classification (germline): Uncertain significance (1 of 4 stars; one submission).

Submission:

Dasa
Classification: Uncertain significance. Last evaluated: 2025-02-12. Review status: criteria provided, single submitter. Criteria: DASA Assertion Criteria. Collection method: clinical testing. Allele origin: germline.
Comment: NM_002709.3(PPP1CB):c.733C>T (p.Arg245*) is a nonsense variant in PPP1CB predicted to introduce a premature termination codon. This variant is absent from population databases. The currently available literature and clinical evidence are not sufficient to establish a definitive association between this variant and the reported condition. Therefore, this variant is classified as a variant of uncertain significance.